The following is an entry in ClinVar:

NM_006361.6(HOXB13):c.769G>A (p.Glu257Lys)

Gene: HOXB13 (homeobox B13; minus strand). Cytogenetic location: 17q21.32.
Variant type: single nucleotide variant.
Coding change: c.769G>A on transcript NM_006361.6 (MANE Select); coding-DNA position 769, G replaced by A.
Protein change: p.Glu257Lys; replaces glutamic acid 257 with lysine.
Molecular consequence: missense variant.
Genome position (GRCh38, 1-based): chr17:48,726,876, C>T on the plus strand (G>A on the coding strand, the complement: HOXB13 is on the minus strand). VCF-style: chr17-48726876-C-T. GRCh37 (hg19) VCF-style: chr17-46804238-C-T.
Other names: short protein forms E257K.
Identifiers: ClinVar variation 1760182 (VCV001760182.6), dbSNP rs1016398275, ClinGen allele CA400105906.
Genomic context (GRCh38, chr17:48,726,876, plus strand): 5'-TGGCGAGAACCTTCTTCTCTTTGACCCGGCGGTTCTGAAACCAGATGGTAATCTGGCGCT[C>T]CGAGAGGCTGGTGGCTGCCGAGATCTTGCGCCTCTTGTCCTTGGTGATGAACTTGTTAGC-3'
Protein context (NP_006352.2, residues 247-267): RKISAATSLS[Glu257Lys]RQITIWFQNR

ClinVar aggregate classification (germline): Uncertain significance. Review status: criteria provided, multiple submitters, no conflicts (2 of 4 stars). 2 submissions from 2 submitters: Uncertain significance (2). Last evaluated 2025-06-10.

Conditions:
Hereditary cancer-predisposing syndrome. Also called: Neoplastic Syndromes, Hereditary; Tumor predisposition; Hereditary Cancer Syndrome; Hereditary neoplastic syndrome. Identifiers: Orphanet 140162, MedGen C0027672, MeSH D009386, MONDO:0015356.

Submissions (2):

Ambry Genetics
Classification: Uncertain significance for Hereditary cancer-predisposing syndrome. Last evaluated: 2025-06-10. Review status: criteria provided, single submitter. Criteria: Ambry Variant Classification Scheme 2023. Collection method: clinical testing. Allele origin: germline.
Comment: The p.E257K variant (also known as c.769G>A), located in coding exon 2 of the HOXB13 gene, results from a G to A substitution at nucleotide position 769. The glutamic acid at codon 257 is replaced by lysine, an amino acid with similar properties. This amino acid position is highly conserved in available vertebrate species. In addition, this alteration is predicted to be deleterious by in silico analysis. Since supporting evidence is limited at this time, the clinical significance of this alteration remains unclear.

Labcorp Genetics (formerly Invitae), Labcorp
Classification: Uncertain significance. Last evaluated: 2023-08-08. Review status: criteria provided, single submitter. Criteria: Invitae Variant Classification Sherloc (09022015). Collection method: clinical testing. Allele origin: germline.
Comment: This sequence change replaces glutamic acid, which is acidic and polar, with lysine, which is basic and polar, at codon 257 of the HOXB13 protein (p.Glu257Lys). This variant is not present in population databases (gnomAD no frequency). This variant has not been reported in the literature in individuals affected with HOXB13-related conditions. ClinVar contains an entry for this variant (Variation ID: 1760182). Advanced modeling of protein sequence and biophysical properties (such as structural, functional, and spatial information, amino acid conservation, physicochemical variation, residue mobility, and thermodynamic stability) performed at Invitae indicates that this missense variant is expected to disrupt HOXB13 protein function. In summary, the available evidence is currently insufficient to determine the role of this variant in disease. Therefore, it has been classified as a Variant of Uncertain Significance.